The following is an entry in ClinVar:

ClinVar aggregate classification (germline): Likely pathogenic (1 of 4 stars; one submission).

Conditions:
Alport syndrome. Also called: Hemorrhagic familial nephritis; Hemorrhagic hereditary nephritis; Congenital hereditary hematuria. Identifiers: Orphanet 63, MedGen C1567741, MONDO:0018965.

Submission:

Natera, Inc.
Classification: Likely pathogenic for Alport syndrome. Last evaluated: 2025-12-01. Review status: criteria provided, single submitter. Criteria: Natera Variant Classification Schema (03/2026). Collection method: clinical testing. Allele origin: germline.
Comment: The c.2621G>A variant in COL4A3 is a missense variant predicted to cause substitution of glycine to glutamic acid at amino acid 874. This variant is rare in the general population with a frequency below the threshold expected for the associated phenotype(s). This variant is located in a functionally critical region of the protein. Computational prediction algorithms indicate this variant is likely to affect gene or protein function. Given the available evidence, this variant is classified as Likely Pathogenic.

NM_000091.5(COL4A3):c.2621G>A (p.Gly874Glu)

Genes: COL4A3 (collagen type IV alpha 3 chain; plus strand), MFF-DT (MFF divergent transcript; minus strand). Cytogenetic location: 2q36.3.
Variant type: single nucleotide variant.
Coding change: c.2621G>A on transcript NM_000091.5 (MANE Select); coding-DNA position 2621, G replaced by A.
Protein change: p.Gly874Glu; replaces glycine 874 with glutamic acid.
Molecular consequence: missense variant.
Genome position (GRCh38, 1-based): chr2:227,282,497, G>A. VCF-style: chr2-227282497-G-A. GRCh37 (hg19) VCF-style: chr2-228147213-G-A.
Other names: short protein forms G874E.
Identifiers: ClinVar variation 4817227 (VCV004817227.1).